The following is an entry in ClinVar:

ClinVar aggregate classification (germline): Likely pathogenic. Review status: reviewed by expert panel (3 of 4 stars). 3 submissions from 3 submitters: Likely pathogenic (1). 2 of the submissions do not count toward it. Last evaluated 2026-02-05.

Conditions:
Bernard Soulier syndrome (BSS). Also called: BLEEDING DISORDER, PLATELET-TYPE, 1; GLYCOPROTEIN Ib, PLATELET, DEFICIENCY OF; PLATELET GLYCOPROTEIN Ib DEFICIENCY; Platelet Glycoprotein 1b, Deficiency of; VON WILLEBRAND FACTOR RECEPTOR DEFICIENCY; Giant platelet syndrome. Identifiers: Orphanet 274, MedGen C0005129, MeSH D001606, MONDO:0009276, OMIM 231200.

gnomAD v4.1: 2 of 1,614,038 alleles (0.00012%); highest among the groups gnomAD compares: Non-Finnish European, 0.00017%; no homozygotes.

Submissions (3):

ClinGen Platelet Disorders Variant Curation Expert Panel, ClinGen
Classification: Likely pathogenic for Bernard Soulier syndrome. Last evaluated: 2026-02-05. Review status: reviewed by expert panel. Criteria: ClinGen Platelet ACMG Specifications GP1BA V1.0.0. Collection method: curation. Allele origin: germline. Inheritance: Autosomal recessive inheritance.
Comment: The c.673T>C variant in GP1BA is a missense variant predicted to cause substitution of Cysteine by Arginine at amino acid 225 (p.Cys225Arg). At least one patient (internal case from Versiti) with this variant had less than 10% expression of GPIba measured by flow cytometry, which is highly specific for Bernard-Soulier syndrome, the patient also had excessive mucocutaneous bleeding consistent with Bernard-Soulier syndrome (PP4). This individual was compound heterozygous for this variant and the NM_000173.7(GP1BA):c.1601_1602del (p.Tyr534CysfsTer?) variant which was classified as Pathogenic by the PD VCEP. The phase of the variants in this patient is unknown (0.5 points, PM3_Supporting). This variant resides at a disulfide bond residue, Cys225 GP1BA that is defined as a critical functional domain by the ClinGen PD VCEP (PM1). The largest population MAF allele frequency in gnomAD v4.1.0 is 0.000001695 (based on 2/1179886 alleles) in the European (non-Finnish) population, which is lower than the ClinGen PD VCEP threshold (<0.0001114; PM2_Supporting). The computational predictor REVEL gives a score of 0.653, which is above the ClinGen PD VCEP threshold of >0.644 and predicts a damaging effect on function (PP3). Another missense variant (c.673T>A, p.Cys225Ser) in the same codon has been classified as Pathogenic for Bernard-Soulier syndrome by the ClinGen PD VCEP (PM5). In summary, this variant meets the criteria to be classified as Likely Pathogenic for autosomal recessive Bernard-Soulier syndrome based on the ACMG/AMP criteria applied, as specified by the ClinGen PD VCEP: PP4, PM1, PM5, PM2_Supporting, PM3_supporting and PP3 (VCEP specifications version 1).

Women's Health and Genetics/Laboratory Corporation of America, LabCorp
Classification: Uncertain significance. Last evaluated: 2026-03-11. Review status: criteria provided, single submitter. Criteria: LabCorp Variant Classification Summary - May 2015. Collection method: clinical testing. Allele origin: germline. Not counted in ClinVar's aggregate classification.
Comment: Variant summary: GP1BA c.673T>C (p.Cys225Arg) results in a non-conservative amino acid change in the encoded protein sequence. Algorithms developed to predict the effect of missense changes on protein structure and function all suggest that this variant is likely to be disruptive. The variant was absent in 249268 control chromosomes (gnomAD). The available data on variant occurrences in the general population are insufficient to allow any conclusion about variant significance. A different variant affecting the same codon has been classified as pathogenic by our lab (c.673T>A, p.Cys225Ser), supporting the critical relevance of codon 225 to GP1BA protein function. To our knowledge, no occurrence of c.673T>C in individuals affected with GP1BA-related conditions and no experimental evidence demonstrating its impact on protein function have been reported. ClinVar contains an entry for this variant (Variation ID: 1031446). Based on the evidence outlined above, the variant was classified as uncertain significance.

Baylor Genetics
Classification: Uncertain significance for Bernard Soulier syndrome. Last evaluated: 2018-09-28. Review status: criteria provided, single submitter. Criteria: ACMG Guidelines, 2015. Collection method: clinical testing. Allele origin: unknown. Affected: yes. Not counted in ClinVar's aggregate classification.
Comment: This variant was determined to be of uncertain significance according to ACMG Guidelines, 2015 [PMID:25741868].

NM_000173.7(GP1BA):c.673T>C (p.Cys225Arg)

Gene: GP1BA (glycoprotein Ib platelet subunit alpha; plus strand). Cytogenetic location: 17p13.2.
Variant type: single nucleotide variant.
Coding change: c.673T>C on transcript NM_000173.7 (MANE Select); coding-DNA position 673, T replaced by C.
Protein change: p.Cys225Arg; replaces cysteine 225 with arginine.
Molecular consequence: missense variant.
Genome position (GRCh38, 1-based): chr17:4,933,277, T>C. VCF-style: chr17-4933277-T-C. GRCh37 (hg19) VCF-style: chr17-4836572-T-C.
Other names: NM_000173.7(GP1BA):c.673T>C; p.Cys225Arg; short protein forms C225R.
Identifiers: ClinVar variation 1031446 (VCV001031446.3), dbSNP rs1394634674, ClinGen allele CA397318014.